The following is an entry in ClinVar:

NM_000051.4(ATM):c.7767A>G (p.Lys2589=)

Genes: C11orf65 (chromosome 11 open reading frame 65; minus strand), ATM (ATM serine/threonine kinase; plus strand). Cytogenetic location: 11q22.3.
Variant type: single nucleotide variant.
Coding change: c.7767A>G on transcript NM_000051.4 (MANE Select); coding-DNA position 7767, A replaced by G.
Protein change: p.Lys2589=; no amino-acid change (lysine 2589 retained).
Molecular consequence: synonymous variant. On other transcripts: intron variant (2).
Genome position (GRCh38, 1-based): chr11:108,332,016, A>G. VCF-style: chr11-108332016-A-G. GRCh37 (hg19) VCF-style: chr11-108202743-A-G.
Other names: c.7767A>G, p.Lys2589= (NM_001351834.2); c.641-22945T>C (NM_001330368.2); c.*38+3204T>C (NM_001351110.2).
Identifiers: ClinVar variation 925795 (VCV000925795.5), dbSNP rs2086311025, ClinGen allele CA476677279.

ClinVar aggregate classification (germline): Benign/Likely benign. Review status: criteria provided, multiple submitters, no conflicts (2 of 4 stars). 2 submissions from 2 submitters: Benign (1); Likely benign (1). Last evaluated 2024-06-17.

Conditions:
Hereditary cancer-predisposing syndrome. Also called: Tumor predisposition; Neoplastic Syndromes, Hereditary; Hereditary neoplastic syndrome; Hereditary Cancer Syndrome. Identifiers: Orphanet 140162, MedGen C0027672, MeSH D009386, MONDO:0015356.
Familial cancer of breast. Also called: Hereditary breast cancer; hereditary breast carcinoma; BREAST CANCER, FAMILIAL. Identifiers: Orphanet 227535, MedGen C0346153, MONDO:0016419, OMIM 114480. Disease mechanism: loss of function.

Submissions (2):

Myriad Genetics, Inc.
Classification: Benign for Familial cancer of breast. Last evaluated: 2024-06-17. Review status: criteria provided, single submitter. Criteria: Myriad Autosomal Dominant, Autosomal Recessive and X-Linked Classification Criteria (2023). Collection method: clinical testing. Allele origin: unknown.
Comment: This variant is considered benign. This variant is a silent/synonymous amino acid change and it is not expected to impact splicing.

Color Diagnostics, LLC DBA Color Health
Classification: Likely benign for Hereditary cancer-predisposing syndrome. Last evaluated: 2019-01-22. Review status: criteria provided, single submitter. Criteria: ACMG Guidelines, 2015. Collection method: clinical testing. Allele origin: germline.